The following is an entry in ClinVar:

NM_001608.4(ACADL):c.372-8dup

Gene: ACADL (acyl-CoA dehydrogenase long chain; minus strand). Cytogenetic location: 2q34.
Variant type: Duplication.
Coding change: c.372-8dup on transcript NM_001608.4 (MANE Select); 8 bases into the intron before coding-DNA position 372, one base duplicated (A; older notation c.372-8dupA).
Molecular consequence: intron variant.
Genome position (GRCh38, 1-based): chr2:210,216,519, T duplicated on the plus strand (A on the coding strand, the reverse complement: ACADL is on the minus strand). VCF-style (leftmost placement, unchanged base first): chr2-210216518-A-AT. GRCh37 (hg19) VCF-style: chr2-211081242-A-AT.
Identifiers: ClinVar variation 3043018 (VCV003043018.2), dbSNP rs545058005, ClinGen allele CA2085034.

ClinVar aggregate classification (germline): Benign (0 of 4 stars; one submission).

Conditions:
ACADL-related disorder. Also called: ACADL-related condition.

Allele frequency attached by ClinVar (database versions not stated): ExAC 0.00084; 1000 Genomes Project 30x 0.00172; 1000 Genomes Project 0.00200; ESP Exome Variant Server 0.00256; gnomAD 0.00282; TOPMed 0.00329; gnomAD exomes 0.00032.

Submission:

PreventionGenetics, part of Exact Sciences
Classification: Benign for ACADL-related condition. Last evaluated: 2019-08-12. Review status: no assertion criteria provided. Collection method: clinical testing. Allele origin: germline.
Comment: This variant is classified as benign based on ACMG/AMP sequence variant interpretation guidelines (Richards et al. 2015 PMID: 25741868, with internal and published modifications).